The following is an entry in ClinVar:

NM_001165963.4(SCN1A):c.4582-11T>G

Genes: SCN1A (sodium voltage-gated channel alpha subunit 1; minus strand), LOC102724058 (uncharacterized LOC102724058; plus strand). Cytogenetic location: 2q24.3.
Variant type: single nucleotide variant.
Coding change: c.4582-11T>G on transcript NM_001165963.4 (MANE Select); 11 bases into the intron before coding-DNA position 4582, T replaced by G.
Molecular consequence: intron variant.
Genome position (GRCh38, 1-based): chr2:165,994,427, A>C on the plus strand (T>G on the coding strand, the complement: SCN1A is on the minus strand). VCF-style: chr2-165994427-A-C. GRCh37 (hg19) VCF-style: chr2-166850937-A-C.
Other names: c.4549-11T>G (NM_001353949.2, NM_001353950.2, NM_001353951.2 and 2 more transcripts); c.4498-11T>G (NM_001353958.2, NM_001353957.2, NM_001165964.3); c.4582-11T>G (NM_001202435.3, NM_001353948.2); c.4546-11T>G (NM_001353955.2, NM_001353954.2); c.4495-11T>G (NM_001353960.2); c.2140-11T>G (NM_001353961.2).
Identifiers: ClinVar variation 2571097 (VCV002571097.27), dbSNP rs377533926, ClinGen allele CA2580614402.

ClinVar aggregate classification (germline): Likely pathogenic (1 of 4 stars; one submission).

Submission:

CeGaT Center for Human Genetics Tuebingen
Classification: Likely pathogenic. Last evaluated: 2023-07-01. Review status: criteria provided, single submitter. Criteria: CeGaT Center For Human Genetics Tuebingen Variant Classification Criteria Version 2. Collection method: clinical testing. Allele origin: germline. Affected: yes. Observed: 1 variant allele.
Comment: SCN1A: PM2, PS2:Moderate, PP3, PS4:Supporting